The following is an entry in ClinVar:

NM_002907.4(RECQL):c.1591G>C (p.Gly531Arg)

Gene: RECQL (RecQ like helicase; minus strand). Cytogenetic location: 12p12.1.
Variant type: single nucleotide variant.
Coding change: c.1591G>C on transcript NM_002907.4 (MANE Select); coding-DNA position 1591, G replaced by C.
Protein change: p.Gly531Arg; replaces glycine 531 with arginine.
Molecular consequence: missense variant.
Genome position (GRCh38, 1-based): chr12:21,471,504, C>G on the plus strand (G>C on the coding strand, the complement: RECQL is on the minus strand). VCF-style: chr12-21471504-C-G. GRCh37 (hg19) VCF-style: chr12-21624438-C-G.
Other names: c.1591G>C, p.Gly531Arg (NM_032941.3); short protein forms G531R.
Identifiers: ClinVar variation 1775930 (VCV001775930.2), dbSNP rs2540320735, ClinGen allele CA384116084.
Genomic context (GRCh38, chr12:21,471,504, plus strand): 5'-TTAGAAAGTGTGCAATAATCTTCTCCAGATCTTCACGAGGAAGTGTGGGAGCCACAACAC[C>G]TGCTACTCTCAGTTTTGCTGCACCCTTTCCCATCCAAGAATCAATCAGTTTCAATGGAGT-3'
Protein context (NP_002898.2, residues 521-541): GKGAAKLRVA[Gly531Arg]VVAPTLPRED

ClinVar aggregate classification (germline): Uncertain significance (1 of 4 stars; one submission).

Submission:

Ambry Genetics
Classification: Uncertain significance. Last evaluated: 2020-12-08. Review status: criteria provided, single submitter. Criteria: Ambry Variant Classification Scheme 2023. Collection method: clinical testing. Allele origin: germline.
Comment: The p.G531R variant (also known as c.1591G>C), located in coding exon 12 of the RECQL gene, results from a G to C substitution at nucleotide position 1591. The glycine at codon 531 is replaced by arginine, an amino acid with dissimilar properties. This amino acid position is not well conserved in available vertebrate species. In addition, this alteration is predicted to be tolerated by in silico analysis. Since supporting evidence is limited at this time, the clinical significance of this alteration remains unclear.